The following is an entry in ClinVar:

ClinVar aggregate classification (germline): Uncertain significance. Review status: criteria provided, multiple submitters, no conflicts (2 of 4 stars). 2 submissions from 2 submitters: Uncertain significance (2). Last evaluated 2023-07-08.

Conditions:
Hereditary cancer-predisposing syndrome. Also called: Neoplastic Syndromes, Hereditary; Tumor predisposition; Hereditary Cancer Syndrome; Hereditary neoplastic syndrome. Identifiers: Orphanet 140162, MedGen C0027672, MeSH D009386, MONDO:0015356.
Retinoblastoma (RB1). Also called: RETINOBLASTOMA, SOMATIC. Identifiers: Orphanet 790, MedGen C0035335, MeSH D012175, MONDO:0008380, OMIM 180200, HP:0009919. Disease mechanism: loss of function. Inheritance: Both sporadic and heritable forms are tested..

Submissions (2):

Labcorp Genetics (formerly Invitae), Labcorp
Classification: Uncertain significance for Retinoblastoma. Last evaluated: 2023-07-08. Review status: criteria provided, single submitter. Criteria: Invitae Variant Classification Sherloc (09022015). Collection method: clinical testing. Allele origin: germline.
Comment: This variant has not been reported in the literature in individuals affected with RB1-related conditions. ClinVar contains an entry for this variant (Variation ID: 1761213). Advanced modeling of protein sequence and biophysical properties (such as structural, functional, and spatial information, amino acid conservation, physicochemical variation, residue mobility, and thermodynamic stability) performed at Invitae indicates that this missense variant is not expected to disrupt RB1 protein function. In summary, the available evidence is currently insufficient to determine the role of this variant in disease. Therefore, it has been classified as a Variant of Uncertain Significance. This variant is not present in population databases (gnomAD no frequency). This sequence change replaces alanine, which is neutral and non-polar, with glycine, which is neutral and non-polar, at codon 264 of the RB1 protein (p.Ala264Gly).

Ambry Genetics
Classification: Uncertain significance for Hereditary cancer-predisposing syndrome. Last evaluated: 2022-02-23. Review status: criteria provided, single submitter. Criteria: Ambry Variant Classification Scheme 2023. Collection method: clinical testing. Allele origin: germline.
Comment: The p.A264G variant (also known as c.791C>G), located in coding exon 8 of the RB1 gene, results from a C to G substitution at nucleotide position 791. The alanine at codon 264 is replaced by glycine, an amino acid with similar properties. This amino acid position is conserved. In addition, the in silico prediction for this alteration is inconclusive. Since supporting evidence is limited at this time, the clinical significance of this alteration remains unclear.

NM_000321.3(RB1):c.791C>G (p.Ala264Gly)

Gene: RB1 (RB transcriptional corepressor 1; plus strand). Cytogenetic location: 13q14.2.
Variant type: single nucleotide variant.
Coding change: c.791C>G on transcript NM_000321.3 (MANE Select); coding-DNA position 791, C replaced by G.
Protein change: p.Ala264Gly; replaces alanine 264 with glycine.
Molecular consequence: missense variant.
Genome position (GRCh38, 1-based): chr13:48,362,887, C>G. VCF-style: chr13-48362887-C-G. GRCh37 (hg19) VCF-style: chr13-48937023-C-G.
Other names: c.791C>G, p.Ala264Gly (NM_001407165.1, NM_001407166.1); short protein forms A264G.
Identifiers: ClinVar variation 1761213 (VCV001761213.5), dbSNP rs2542182154, ClinGen allele CA388159451.